The following is an entry in ClinVar:

ClinVar aggregate classification (germline): Uncertain significance (1 of 4 stars; one submission).

Conditions:
Fanconi anemia complementation group J. Also called: BRIP1-Related Fanconi Anemia. Identifiers: Orphanet 84, MedGen C1836860, MONDO:0012187, OMIM 609054.
Familial cancer of breast. Also called: BREAST CANCER, FAMILIAL; hereditary breast carcinoma; Hereditary breast cancer. Identifiers: Orphanet 227535, MedGen C0346153, MONDO:0016419, OMIM 114480. Disease mechanism: loss of function.

Submission:

Labcorp Genetics (formerly Invitae), Labcorp
Classification: Uncertain significance for Familial cancer of breast; Fanconi anemia complementation group J. Last evaluated: 2025-07-18. Review status: criteria provided, single submitter. Criteria: Invitae Variant Classification Sherloc (09022015). Collection method: clinical testing. Allele origin: germline.
Comment: This sequence change replaces histidine, which is basic and polar, with glutamine, which is neutral and polar, at codon 871 of the BRIP1 protein (p.His871Gln). This variant is not present in population databases (gnomAD no frequency). This variant has not been reported in the literature in individuals affected with BRIP1-related conditions. ClinVar contains an entry for this variant (Variation ID: 2116094). Invitae Evidence Modeling of protein sequence and biophysical properties (such as structural, functional, and spatial information, amino acid conservation, physicochemical variation, residue mobility, and thermodynamic stability) has been performed for this missense variant. However, the output from this modeling did not meet the statistical confidence thresholds required to predict the impact of this variant on BRIP1 protein function. In summary, the available evidence is currently insufficient to determine the role of this variant in disease. Therefore, it has been classified as a Variant of Uncertain Significance.

NM_032043.3(BRIP1):c.2613T>A (p.His871Gln)

Gene: BRIP1 (BRCA1 interacting DNA helicase 1; minus strand). Cytogenetic location: 17q23.2.
Variant type: single nucleotide variant.
Coding change: c.2613T>A on transcript NM_032043.3 (MANE Select); coding-DNA position 2613, T replaced by A.
Protein change: p.His871Gln; replaces histidine 871 with glutamine.
Molecular consequence: missense variant.
Genome position (GRCh38, 1-based): chr17:61,686,128, A>T on the plus strand (T>A on the coding strand, the complement: BRIP1 is on the minus strand). VCF-style: chr17-61686128-A-T. GRCh37 (hg19) VCF-style: chr17-59763489-A-T.
Other names: short protein forms H871Q.
Identifiers: ClinVar variation 2116094 (VCV002116094.4), dbSNP rs199721657, ClinGen allele CA400481941.